The following is an entry in ClinVar:

NM_004984.4(KIF5A):c.259C>G (p.Gln87Glu)

Gene: KIF5A (kinesin family member 5A; plus strand). Cytogenetic location: 12q13.3.
Variant type: single nucleotide variant.
Coding change: c.259C>G on transcript NM_004984.4 (MANE Select); coding-DNA position 259, C replaced by G.
Protein change: p.Gln87Glu; replaces glutamine 87 with glutamic acid.
Molecular consequence: missense variant. On other transcripts: intron variant (1).
Genome position (GRCh38, 1-based): chr12:57,563,661, C>G. VCF-style: chr12-57563661-C-G. GRCh37 (hg19) VCF-style: chr12-57957444-C-G.
Other names: c.130-799C>G (NM_001354705.2); short protein forms Q87E.
Identifiers: ClinVar variation 1709887 (VCV001709887.2), dbSNP rs2540493198, ClinGen allele CA385493459.
Genomic context (GRCh38, chr12:57,563,661, plus strand): 5'-TCTCTACTGTCTCTTCCAGATGTCCTTGCTGGCTACAATGGCACCATTTTTGCTTATGGA[C>G]AGACATCCTCAGGGAAAACACATACCATGGAGGTGAGGGTTCTGGCTTTGGTGGTTGAGG-3'
Protein context (NP_004975.2, residues 77-97): GYNGTIFAYG[Gln87Glu]TSSGKTHTME

ClinVar aggregate classification (germline): Uncertain significance (1 of 4 stars; one submission).

Conditions:
Hereditary spastic paraplegia 10 (SPG10). Also called: SPASTIC PARAPLEGIA 10 WITH OR WITHOUT PERIPHERAL NEUROPATHY; SPASTIC PARAPLEGIA 10 WITH PERIPHERAL NEUROPATHY; SPASTIC PARAPLEGIA 10, AUTOSOMAL DOMINANT. Identifiers: Orphanet 100991, MedGen C1858712, MONDO:0011408, OMIM 604187.

Submission:

MGZ Medical Genetics Center
Classification: Uncertain significance for Hereditary spastic paraplegia 10. Last evaluated: 2021-10-06. Review status: criteria provided, single submitter. Criteria: ACMG Guidelines, 2015. Collection method: clinical testing. Allele origin: germline. Affected: yes. Observed: 1 variant allele.
Comment: ACMG criteria applied: PM2_SUP, PP1, PP3